The following is an entry in ClinVar:

NM_001040108.2(MLH3):c.231A>G (p.Lys77=)

Gene: MLH3 (mutL homolog 3; minus strand). Cytogenetic location: 14q24.3.
Variant type: single nucleotide variant.
Coding change: c.231A>G on transcript NM_001040108.2 (MANE Select); coding-DNA position 231, A replaced by G.
Protein change: p.Lys77=; no amino-acid change (lysine 77 retained).
Molecular consequence: synonymous variant.
Genome position (GRCh38, 1-based): chr14:75,049,425, T>C on the plus strand (A>G on the coding strand, the complement: MLH3 is on the minus strand). VCF-style: chr14-75049425-T-C. GRCh37 (hg19) VCF-style: chr14-75516128-T-C.
Other names: c.231A>G, p.Lys77= (NM_014381.3).
Identifiers: ClinVar variation 3873439 (VCV003873439.2).

ClinVar aggregate classification (germline): Benign/Likely benign. Review status: criteria provided, multiple submitters, no conflicts (2 of 4 stars). 2 submissions from 2 submitters: Benign (1); Likely benign (1). Last evaluated 2026-04-28.

Conditions:
Colorectal cancer, hereditary nonpolyposis, type 7. Identifiers: Orphanet 144, MedGen C1858380, MONDO:0013725, OMIM 614385.

gnomAD v4.1: 1 of 1,614,062 alleles (0.000062%); no homozygotes.

Submissions (2):

Myriad Genetics, Inc.
Classification: Benign for Colorectal cancer, hereditary nonpolyposis, type 7. Last evaluated: 2026-04-28. Review status: criteria provided, single submitter. Criteria: Myriad Autosomal Dominant, Autosomal Recessive and X-Linked Classification Criteria (2023). Collection method: clinical testing. Allele origin: unknown.
Comment: This variant is considered benign. This variant is a silent/synonymous amino acid change and it is not expected to impact splicing.

Ambry Genetics
Classification: Likely benign. Last evaluated: 2024-12-25. Review status: criteria provided, single submitter. Criteria: Ambry Variant Classification Scheme 2023. Collection method: clinical testing. Allele origin: germline.